The following is an entry in ClinVar:

ClinVar aggregate classification (germline): Uncertain significance (1 of 4 stars; one submission).

Allele frequency attached by ClinVar (database versions not stated): gnomAD exomes 0.00001 and 0.00002; ExAC 0.00002; gnomAD 0.00003; TOPMed 0.00007; 1000 Genomes Project 30x 0.00016; 1000 Genomes Project 0.00020.
gnomAD v4.1: 36 of 1,572,694 alleles (0.0023%); highest among the groups gnomAD compares: Admixed American, 0.0083%; no homozygotes.

Submission:

Labcorp Genetics (formerly Invitae), Labcorp
Classification: Uncertain significance. Last evaluated: 2021-10-03. Review status: criteria provided, single submitter. Criteria: Invitae Variant Classification Sherloc (09022015). Collection method: clinical testing. Allele origin: germline.
Comment: In summary, the available evidence is currently insufficient to determine the role of this variant in disease. Therefore, it has been classified as a Variant of Uncertain Significance. Algorithms developed to predict the effect of sequence changes on RNA splicing suggest that this variant may disrupt the consensus splice site. This variant has not been reported in the literature in individuals affected with LIPI-related conditions. This variant is present in population databases (rs555411516, ExAC 0.009%). This sequence change affects an acceptor splice site in intron 4 of the LIPI gene. It is expected to disrupt RNA splicing. Variants that disrupt the donor or acceptor splice site typically lead to a loss of protein function (PMID: 16199547), however the current clinical and genetic evidence is not sufficient to establish whether loss-of-function variants in LIPI cause disease.

Literature cited by the submitters: PubMed 16199547.

NM_001302998.2(LIPI):c.644-2A>G

Gene: LIPI (lipase I; minus strand). Cytogenetic location: 21q11.2.
Variant type: single nucleotide variant.
Coding change: c.644-2A>G on transcript NM_001302998.2 (MANE Select); the canonical splice acceptor site of the intron before coding-DNA position 644, A replaced by G.
Molecular consequence: splice acceptor variant. On other transcripts: intron variant (1).
Genome position (GRCh38, 1-based): chr21:14,166,453, T>C on the plus strand (A>G on the coding strand, the complement: LIPI is on the minus strand). VCF-style: chr21-14166453-T-C. GRCh37 (hg19) VCF-style: chr21-15538774-T-C.
Other names: c.509-2A>G (NM_198996.4); c.149-2A>G (NM_001379566.1); c.644-1063A>G (NM_001302999.2); c.644-2A>G (NM_001379565.1, NM_001303000.2, NM_001303001.2).
Identifiers: ClinVar variation 1361333 (VCV001361333.6), dbSNP rs555411516, ClinGen allele CA9979584.